The following is an entry in ClinVar:

ClinVar aggregate classification (germline): Uncertain significance (1 of 4 stars; one submission).

Conditions:
Neutropenia, severe congenital, 1, autosomal dominant. Identifiers: MedGen C1859966, MONDO:0042490, OMIM 202700.
Cyclical neutropenia. Also called: Cyclic Neutropenia; Cyclic hematopoiesis. Identifiers: Orphanet 2686, MedGen C0221023, MONDO:0008090, OMIM 162800, HP:0040289. Disease mechanism: loss of function.

Submission:

Labcorp Genetics (formerly Invitae), Labcorp
Classification: Uncertain significance for Neutropenia, severe congenital, 1, autosomal dominant; Cyclical neutropenia. Last evaluated: 2025-08-30. Review status: criteria provided, single submitter. Criteria: Invitae Variant Classification Sherloc (09022015). Collection method: clinical testing. Allele origin: germline.
Comment: This sequence change falls in intron 4 of the ELANE gene. It does not directly change the encoded amino acid sequence of the ELANE protein. It affects a nucleotide within the consensus splice site. This variant is not present in population databases (gnomAD no frequency). This variant has been observed in individual(s) with congenital cyclic neutropenia (internal data). ClinVar contains an entry for this variant (Variation ID: 936712). Variants that disrupt the consensus splice site are a relatively common cause of aberrant splicing (PMID: 17576681, 9536098). Algorithms developed to predict the effect of sequence changes on RNA splicing suggest that this variant may disrupt the consensus splice site. This variant disrupts the c.597+5 nucleotide in the ELANE gene. Other variant(s) that disrupt this nucleotide have been determined to be pathogenic (PMID: 10581030, 20049848, 23463630, 30040071). This suggests that this nucleotide is clinically significant, and that variants that disrupt this position are likely to be disease-causing. In summary, the available evidence is currently insufficient to determine the role of this variant in disease. Therefore, it has been classified as a Variant of Uncertain Significance.

Literature cited by the submitters: PubMed 17576681; PubMed 9536098; PubMed 10581030; PubMed 20049848; PubMed 23463630; PubMed 30040071.

NM_001972.4(ELANE):c.597+5_597+8del

Gene: ELANE (elastase, neutrophil expressed; plus strand). Cytogenetic location: 19p13.3.
Variant type: Deletion.
Coding change: c.597+5_597+8del on transcript NM_001972.4 (MANE Select); bases 5 to 8 of the intron after coding-DNA position 597, 4 bases deleted (GTGC; older notation c.597+5_597+8delGTGC).
Molecular consequence: intron variant.
Genome position (GRCh38, 1-based): chr19:855,799-855,802, GTGC deleted; deleting any 4 consecutive bases within chr19:855,798-855,802 gives the same sequence; the c. name uses the placement nearest the transcript's 3' end. VCF-style (leftmost placement, unchanged base first): chr19-855797-ACGTG-A. GRCh37 (hg19) VCF-style: chr19-855797-ACGTG-A.
Identifiers: ClinVar variation 936712 (VCV000936712.12), dbSNP rs2035670462, ClinGen allele CA1139666167.